The following is an entry in ClinVar:

NM_000432.4(MYL2):c.63C>T (p.Phe21=)

Genes: MYL2 (myosin light chain 2; minus strand), LOC114827850 (VISTA enhancer hs2149; plus strand). Cytogenetic location: 12q24.11.
Variant type: single nucleotide variant.
Coding change: c.63C>T on transcript NM_000432.4 (MANE Select); coding-DNA position 63, C replaced by T.
Protein change: p.Phe21=; no amino-acid change (phenylalanine 21 retained).
Molecular consequence: synonymous variant.
Genome position (GRCh38, 1-based): chr12:110,919,134, G>A on the plus strand (C>T on the coding strand, the complement: MYL2 is on the minus strand). VCF-style: chr12-110919134-G-A. GRCh37 (hg19) VCF-style: chr12-111356938-G-A.
Identifiers: ClinVar variation 626526 (VCV000626526.21), dbSNP rs779983470, ClinGen allele CA043510.

ClinVar aggregate classification (germline): Likely benign. Review status: criteria provided, multiple submitters, no conflicts (2 of 4 stars). 7 submissions from 7 submitters: Likely benign (7). Last evaluated 2025-11-21.

Conditions:
Hypertrophic cardiomyopathy 10. Also called: MYL2-Related Familial Hypertrophic Cardiomyopathy; CARDIOMYOPATHY, HYPERTROPHIC, MID-LEFT VENTRICULAR CHAMBER TYPE, 2. Identifiers: MedGen C1834460, MONDO:0012112, OMIM 608758.
Cardiovascular phenotype. Identifiers: MedGen CN230736.
Cardiomyopathy (CMYO). Also called: Cardiomyopathies. Identifiers: Orphanet 167848, MedGen C0878544, MONDO:0004994, HP:0001638. Inheritance: Various modes of inheritance.
MYL2-related disorder. Also called: MYL2-related disorders; MYL2-related condition; MYL2-related disease.
Hypertrophic cardiomyopathy. Also called: HYPERTROPHIC MYOCARDIOPATHY. Identifiers: Orphanet 217569, MedGen C0007194, MeSH D002312, MONDO:0005045, HP:0001639.

Allele frequency attached by ClinVar (database versions not stated): ExAC 0.00001; gnomAD 0.00001; gnomAD exomes 0.00001 and 0.00004; TOPMed 0.00001.

Submissions (7):

PreventionGenetics, part of Exact Sciences
Classification: Likely benign for MYL2-related condition. Last evaluated: 2025-11-21. Review status: criteria provided, single submitter. Criteria: ACMG Guidelines, 2015. Collection method: clinical testing. Allele origin: germline.
Comment: This variant is classified as likely benign based on ACMG/AMP sequence variant interpretation guidelines (Richards et al. 2015 PMID: 25741868, with internal and published modifications).

Labcorp Genetics (formerly Invitae), Labcorp
Classification: Likely benign for Hypertrophic cardiomyopathy 10. Last evaluated: 2025-09-14. Review status: criteria provided, single submitter. Criteria: Invitae Variant Classification Sherloc (09022015). Collection method: clinical testing. Allele origin: germline.

Women's Health and Genetics/Laboratory Corporation of America, LabCorp
Classification: Likely benign. Last evaluated: 2024-12-06. Review status: criteria provided, single submitter. Criteria: LabCorp Variant Classification Summary - May 2015. Collection method: clinical testing. Allele origin: germline.

All of Us Research Program, National Institutes of Health
Classification: Likely benign for Hypertrophic cardiomyopathy. Last evaluated: 2023-07-22. Review status: criteria provided, single submitter. Criteria: ACMG Guidelines, 2015. Collection method: clinical testing. Allele origin: germline. Inheritance: Autosomal dominant inheritance. Observed: 3 variant alleles, 3 heterozygotes.
Comment: This study involves interpretation of variants in research participants for the purpose of population health screening. Participant phenotype was not available at the time of variant classification. Additional details can be found in publication PMID: 35346344, PMCID: PMC8962531

Ambry Genetics
Classification: Likely benign for Cardiovascular phenotype. Last evaluated: 2023-01-30. Review status: criteria provided, single submitter. Criteria: Ambry Variant Classification Scheme 2023. Collection method: clinical testing. Allele origin: germline.

Color Diagnostics, LLC DBA Color Health
Classification: Likely benign for Cardiomyopathy. Last evaluated: 2020-07-27. Review status: criteria provided, single submitter. Criteria: ACMG Guidelines, 2015. Collection method: clinical testing. Allele origin: germline.

CHEO Genetics Diagnostic Laboratory, Children's Hospital of Eastern Ontario
Classification: Likely benign for Cardiomyopathy. Last evaluated: 2018-09-12. Review status: criteria provided, single submitter. Criteria: ACMG Guidelines, 2015. Collection method: clinical testing. Allele origin: germline.